The following is an entry in ClinVar:

ClinVar aggregate classification (germline): Uncertain significance (1 of 4 stars; one submission).

Conditions:
Dyskeratosis congenita. Identifiers: Orphanet 1775, MedGen C0265965, MONDO:0015780.

Submission:

Ambry Genetics
Classification: Uncertain significance for Dyskeratosis congenita. Last evaluated: 2026-02-16. Review status: criteria provided, single submitter. Criteria: Ambry Variant Classification Scheme 2023. Collection method: clinical testing. Allele origin: germline.
Comment: The p.R481K variant (also known as c.1442G>A), located in coding exon 2 of the TERT gene, results from a G to A substitution at nucleotide position 1442. The arginine at codon 481 is replaced by lysine, an amino acid with highly similar properties. This amino acid position is conserved. In addition, this alteration is predicted to be tolerated by in silico analysis. Based on the available evidence, the clinical significance of this variant remains unclear.

NM_198253.3(TERT):c.1442G>A (p.Arg481Lys)

Gene: TERT (telomerase reverse transcriptase; minus strand). Cytogenetic location: 5p15.33.
Variant type: single nucleotide variant.
Coding change: c.1442G>A on transcript NM_198253.3 (MANE Select); coding-DNA position 1442, G replaced by A.
Protein change: p.Arg481Lys; replaces arginine 481 with lysine.
Molecular consequence: missense variant. On other transcripts: non-coding transcript variant (2).
Genome position (GRCh38, 1-based): chr5:1,293,444, C>T on the plus strand (G>A on the coding strand, the complement: TERT is on the minus strand). VCF-style: chr5-1293444-C-T. GRCh37 (hg19) VCF-style: chr5-1293559-C-T.
Other names: c.1442G>A, p.Arg481Lys (NM_001193376.3); short protein forms R481K.
Identifiers: ClinVar variation 4825596 (VCV004825596.1).